The following is an entry in ClinVar:

ClinVar aggregate classification (germline): Pathogenic. Review status: criteria provided, single submitter (1 of 4 stars). 2 submissions from 2 submitters: Pathogenic (1). 1 of the submissions does not count toward it. Last evaluated 2025-12-08.

Conditions:
Xeroderma pigmentosum, group C (XPC). Also called: XPC-Related Xeroderma Pigmentosum; Xeroderma pigmentosum, complementation group C; XERODERMA PIGMENTOSUM III; XP, GROUP C. Identifiers: Orphanet 910, MedGen C2752147, MONDO:0010211, OMIM 278720.

Submissions (2):

Labcorp Genetics (formerly Invitae), Labcorp
Classification: Pathogenic. Last evaluated: 2025-12-08. Review status: criteria provided, single submitter. Criteria: Invitae Variant Classification Sherloc (09022015). Collection method: clinical testing. Allele origin: germline.
Comment: This sequence change creates a premature translational stop signal (p.Arg584Valfs*15) in the XPC gene. It is expected to result in an absent or disrupted protein product. Loss-of-function variants in XPC are known to be pathogenic (PMID: 23173980, 25256075). This variant is present in population databases (rs752030576, gnomAD 0.02%). This variant has not been reported in the literature in individuals affected with XPC-related conditions. For these reasons, this variant has been classified as Pathogenic.

Counsyl
Classification: Likely pathogenic for Xeroderma pigmentosum, group C. Last evaluated: 2017-11-29. Review status: no assertion criteria provided. Collection method: clinical testing. Allele origin: unknown. Not counted in ClinVar's aggregate classification.

Literature cited by the submitters: PubMed 23173980 (cited by Labcorp Genetics (formerly Invitae), Labcorp); PubMed 25256075 (cited by Labcorp Genetics (formerly Invitae), Labcorp).

NM_004628.5(XPC):c.1750_1751del (p.Arg584fs)

Gene: XPC (XPC complex subunit, DNA damage recognition and repair factor; minus strand). Cytogenetic location: 3p25.1.
Variant type: Microsatellite.
Coding change: c.1750_1751del on transcript NM_004628.5 (MANE Select); coding-DNA positions 1750 to 1751, 2 bases deleted (AG; older notation c.1750_1751delAG).
Protein change: p.Arg584fs; shifts the reading frame from arginine 584.
Molecular consequence: frameshift variant. On other transcripts: non-coding transcript variant (2), intron variant (1).
Genome position (GRCh38, 1-based): chr3:14,158,132-14,158,133, CT deleted on the plus strand (AG on the coding strand, the reverse complement: XPC is on the minus strand); deleting any 2 consecutive bases within chr3:14,158,132-14,158,135 gives the same sequence; the c. name uses the placement nearest the transcript's 3' end. VCF-style (leftmost placement, unchanged base first): chr3-14158131-CCT-C. GRCh37 (hg19) VCF-style: chr3-14199631-CCT-C.
Other names: c.1750_1751delAG (NM_004628.4); c.1171_1172del, p.Arg391fs (NM_001354726.2); c.1750_1751del, p.Arg584fs (NM_001354727.2); c.1732_1733del, p.Arg578fs (NM_001354729.2); c.1626+124_1626+125del (NM_001354730.2); short protein forms R391fs, R578fs, R584fs.
Identifiers: ClinVar variation 555204 (VCV000555204.5), dbSNP rs752030576, ClinGen allele CA2267373.
Genomic context (GRCh38, chr3:14,158,131, plus strand): 5'-GGCCCACCACTCAGCATCAACCCGGCACTTGCGGGTCACTGTCATCCAGACTGGGTCGTA[CCT>C]CTGTGTGACATCTCGGACCCAGCCGTCACTGTCAATGCCCACCACATAGGTCATGGGCTT-3'